The following is an entry in ClinVar:

ClinVar aggregate classification (germline): Uncertain significance (1 of 4 stars; one submission).

gnomAD v4.1: 5 of 1,614,108 alleles (0.00031%); highest among the groups gnomAD compares: African/African-American, 0.0067%; no homozygotes.

Submission:

Labcorp Genetics (formerly Invitae), Labcorp
Classification: Uncertain significance. Last evaluated: 2024-12-24. Review status: criteria provided, single submitter. Criteria: Invitae Variant Classification Sherloc (09022015). Collection method: clinical testing. Allele origin: germline.
Comment: This sequence change replaces arginine, which is basic and polar, with lysine, which is basic and polar, at codon 1534 of the HIVEP2 protein (p.Arg1534Lys). This variant is present in population databases (rs371439317, gnomAD 0.007%). This variant has not been reported in the literature in individuals affected with HIVEP2-related conditions. An algorithm developed to predict the effect of missense changes on protein structure and function (PolyPhen-2) suggests that this variant is likely to be tolerated. In summary, the available evidence is currently insufficient to determine the role of this variant in disease. Therefore, it has been classified as a Variant of Uncertain Significance.

NM_006734.4(HIVEP2):c.4601G>A (p.Arg1534Lys)

Gene: HIVEP2 (HIVEP zinc finger 2; minus strand). Cytogenetic location: 6q24.2.
Variant type: single nucleotide variant.
Coding change: c.4601G>A on transcript NM_006734.4 (MANE Select); coding-DNA position 4601, G replaced by A.
Protein change: p.Arg1534Lys; replaces arginine 1534 with lysine.
Molecular consequence: missense variant.
Genome position (GRCh38, 1-based): chr6:142,770,138, C>T on the plus strand (G>A on the coding strand, the complement: HIVEP2 is on the minus strand). VCF-style: chr6-142770138-C-T. GRCh37 (hg19) VCF-style: chr6-143091275-C-T.
Other names: short protein forms R1534K.
Identifiers: ClinVar variation 3699023 (VCV003699023.2).